The following is an entry in ClinVar:

ClinVar aggregate classification (germline): Uncertain significance (1 of 4 stars; one submission).

Conditions:
Familial focal epilepsy with variable foci (FPEVF). Identifiers: Orphanet 98820, MedGen C1858477, MONDO:0020310.

Submission:

Labcorp Genetics (formerly Invitae), Labcorp
Classification: Uncertain significance for Familial focal epilepsy with variable foci. Last evaluated: 2022-09-22. Review status: criteria provided, single submitter. Criteria: Invitae Variant Classification Sherloc (09022015). Collection method: clinical testing. Allele origin: germline.
Comment: This variant is not present in population databases (gnomAD no frequency). This sequence change replaces arginine, which is basic and polar, with glycine, which is neutral and non-polar, at codon 786 of the DEPDC5 protein (p.Arg786Gly). This variant has not been reported in the literature in individuals affected with DEPDC5-related conditions. In summary, the available evidence is currently insufficient to determine the role of this variant in disease. Therefore, it has been classified as a Variant of Uncertain Significance. Algorithms developed to predict the effect of missense changes on protein structure and function are either unavailable or do not agree on the potential impact of this missense change (SIFT: "Deleterious"; PolyPhen-2: "Not Available"; Align-GVGD: "Class C0").

NM_001242896.3(DEPDC5):c.2356A>G (p.Arg786Gly)

Gene: DEPDC5 (DEP domain containing 5, GATOR1 subcomplex subunit; plus strand). Cytogenetic location: 22q12.3.
Variant type: single nucleotide variant.
Coding change: c.2356A>G on transcript NM_001242896.3 (MANE Select); coding-DNA position 2356, A replaced by G.
Protein change: p.Arg786Gly; replaces arginine 786 with glycine.
Molecular consequence: missense variant. On other transcripts: non-coding transcript variant (5).
Genome position (GRCh38, 1-based): chr22:31,838,686, A>G. VCF-style: chr22-31838686-A-G. GRCh37 (hg19) VCF-style: chr22-32234672-A-G.
Other names: c.2329A>G, p.Arg777Gly (NM_001136029.4, NM_001369903.1, NM_014662.6); c.2122A>G, p.Arg708Gly (NM_001242897.2, NM_001363854.2, NM_001364319.2); c.2356A>G, p.Arg786Gly (NM_001363852.2, NM_001364318.2, NM_001364320.2); c.2272A>G, p.Arg758Gly (NM_001369901.1, NM_001369902.1); short protein forms R708G, R758G, R777G, R786G.
Identifiers: ClinVar variation 1720023 (VCV001720023.5), dbSNP rs2519941855, ClinGen allele CA411286092.